The following is an entry in ClinVar:

NM_000548.5(TSC2):c.467T>C (p.Leu156Ser)

Gene: TSC2 (TSC complex subunit 2; plus strand). Cytogenetic location: 16p13.3.
Variant type: single nucleotide variant.
Coding change: c.467T>C on transcript NM_000548.5 (MANE Select); coding-DNA position 467, T replaced by C.
Protein change: p.Leu156Ser; replaces leucine 156 with serine.
Molecular consequence: missense variant. On other transcripts: intron variant (1).
Genome position (GRCh38, 1-based): chr16:2,054,426, T>C. VCF-style: chr16-2054426-T-C. GRCh37 (hg19) VCF-style: chr16-2104427-T-C.
Other names: c.467T>C, p.Leu156Ser (NM_001077183.3, NM_001114382.3, NM_001363528.2 and 8 more transcripts); c.356T>C, p.Leu119Ser (NM_001318827.2, NM_001406670.1, NM_001406678.1); c.320T>C, p.Leu107Ser (NM_001318829.2, NM_001406675.1, NM_001406676.1 and 1 more transcripts); c.500T>C, p.Leu167Ser (NM_001318832.2); c.557T>C, p.Leu186Ser (NM_001406667.1, NM_001406668.1); c.410T>C, p.Leu137Ser (NM_001406677.1); c.-350T>C (NM_001406680.1, NM_001406683.1, NM_001406687.1); c.22T>C, p.Trp8Arg (NM_001406681.1); and 6 more; short protein forms L156S, L167S, L186S, L107S, W8R, L119S, L137S.
Identifiers: ClinVar variation 1742391 (VCV001742391.2), dbSNP rs2548417898, ClinGen allele CA394308509.
Genomic context (GRCh38, chr16:2,054,426, plus strand): 5'-TTCACGAAAGGCTGGAGGTTTTCAAGGCCCTCACAGACAATGGGAGACACATCACCTACT[T>C]GGAGGAAGAGCTGGGTGGGTGCCACCTTGGGTTGGAGGTTTCTCTGGCCTTGACGATCAA-3'
Protein context (NP_000539.2, residues 146-166): LTDNGRHITY[Leu156Ser]EEELADFVLQ

ClinVar aggregate classification (germline): Uncertain significance (1 of 4 stars; one submission).

Conditions:
Hereditary cancer-predisposing syndrome. Also called: Hereditary Cancer Syndrome; Hereditary neoplastic syndrome; Neoplastic Syndromes, Hereditary; Tumor predisposition. Identifiers: Orphanet 140162, MedGen C0027672, MeSH D009386, MONDO:0015356.

Submission:

Ambry Genetics
Classification: Uncertain significance for Hereditary cancer-predisposing syndrome. Last evaluated: 2021-04-01. Review status: criteria provided, single submitter. Criteria: Ambry Variant Classification Scheme 2023. Collection method: clinical testing. Allele origin: germline.
Comment: The p.L156S variant (also known as c.467T>C), located in coding exon 4 of the TSC2 gene, results from a T to C substitution at nucleotide position 467. The leucine at codon 156 is replaced by serine, an amino acid with dissimilar properties. This amino acid position is well conserved in available vertebrate species. In addition, this alteration is predicted to be deleterious by in silico analysis. Since supporting evidence is limited at this time, the clinical significance of this alteration remains unclear.